The following is an entry in ClinVar:

NM_000257.4(MYH7):c.186G>C (p.Glu62Asp)

Gene: MYH7 (myosin heavy chain 7; minus strand). Cytogenetic location: 14q11.2.
Variant type: single nucleotide variant.
Coding change: c.186G>C on transcript NM_000257.4 (MANE Select); coding-DNA position 186, G replaced by C.
Protein change: p.Glu62Asp; replaces glutamic acid 62 with aspartic acid.
Molecular consequence: missense variant.
Genome position (GRCh38, 1-based): chr14:23,433,547, C>G on the plus strand (G>C on the coding strand, the complement: MYH7 is on the minus strand). VCF-style: chr14-23433547-C-G. GRCh37 (hg19) VCF-style: chr14-23902756-C-G.
Other names: c.186G>C, p.Glu62Asp (NM_001407004.1); short protein forms E62D.
Identifiers: ClinVar variation 3074736 (VCV003074736.1), dbSNP rs1893033359, ClinGen allele CA389053634.

ClinVar aggregate classification (germline): Uncertain significance (1 of 4 stars; one submission).

Conditions:
Cardiomyopathy (CMYO). Also called: Cardiomyopathies. Identifiers: Orphanet 167848, MedGen C0878544, MONDO:0004994, HP:0001638. Inheritance: Various modes of inheritance.

Submission:

All of Us Research Program, National Institutes of Health
Classification: Uncertain significance for Cardiomyopathy. Last evaluated: 2023-12-13. Review status: criteria provided, single submitter. Criteria: ACMG Guidelines, 2015. Collection method: clinical testing. Allele origin: germline. Inheritance: Autosomal dominant inheritance. Observed: 1 variant allele, 1 heterozygote.
Comment: This missense variant replaces glutamic acid with aspartic acid at codon 62 of the MYH7 protein. Computational prediction tools indicate that this variant has a neutral impact on protein structure and function. To our knowledge, functional studies have not been reported for this variant. This variant has not been reported in individuals affected with MYH7-related disorders in the literature. This variant has not been identified in the general population by the Genome Aggregation Database (gnomAD). The available evidence is insufficient to determine the role of this variant in disease conclusively. Therefore, this variant is classified as a Variant of Uncertain Significance.

This study involves interpretation of variants in research participants for the purpose of population health screening. Participant phenotype was not available at the time of variant classification. Additional details can be found in publication PMID: 35346344, PMCID: PMC8962531